The following is an entry in ClinVar:

ClinVar aggregate classification (germline): Pathogenic (1 of 4 stars; one submission).

Allele frequency attached by ClinVar (database versions not stated): TOPMed below 0.00001; gnomAD 0.00001.

Submission:

Labcorp Genetics (formerly Invitae), Labcorp
Classification: Pathogenic. Last evaluated: 2021-05-19. Review status: criteria provided, single submitter. Criteria: Invitae Variant Classification Sherloc (09022015). Collection method: clinical testing. Allele origin: germline.
Comment: For these reasons, this variant has been classified as Pathogenic. Algorithms developed to predict the effect of sequence changes on RNA splicing suggest that this variant may disrupt the consensus splice site, but this prediction has not been confirmed by published transcriptional studies. This sequence change affects a splice site in intron 13 of the CNGB3 gene. It is expected to disrupt RNA splicing. Variants that disrupt the donor or acceptor splice site typically lead to a loss of protein function (PMID: 16199547), and loss-of-function variants in CNGB3 are known to be pathogenic (PMID: 28795510). This variant is not present in population databases (ExAC no frequency). Disruption of this splice site has been observed in individual(s) with CNGB3-related conditions (PMID: 28795510).

Literature cited by the submitters: PubMed 16199547; PubMed 28795510.

NM_019098.5(CNGB3):c.1579-2del

Gene: CNGB3 (cyclic nucleotide gated channel subunit beta 3; minus strand). Cytogenetic location: 8q21.3.
Variant type: Deletion.
Coding change: c.1579-2del on transcript NM_019098.5 (MANE Select); the canonical splice acceptor site of the intron before coding-DNA position 1579, one base deleted (A; older notation c.1579-2delA).
Molecular consequence: splice acceptor variant.
Genome position (GRCh38, 1-based): chr8:86,611,673, T deleted on the plus strand (A on the coding strand, the reverse complement: CNGB3 is on the minus strand). VCF-style (leftmost placement, unchanged base first): chr8-86611672-CT-C. GRCh37 (hg19) VCF-style: chr8-87623900-CT-C.
Identifiers: ClinVar variation 1453089 (VCV001453089.8), dbSNP rs1243555074, ClinGen allele CA856359967.